The following is an entry in ClinVar:

NM_001206979.2(NR1H4):c.27A>G (p.Glu9=)

Gene: NR1H4 (nuclear receptor subfamily 1 group H member 4; plus strand). Cytogenetic location: 12q23.1.
Variant type: single nucleotide variant.
Coding change: c.27A>G on transcript NM_001206979.2 (MANE Select); coding-DNA position 27, A replaced by G.
Protein change: p.Glu9=; no amino-acid change (glutamic acid 9 retained).
Molecular consequence: synonymous variant. On other transcripts: non-coding transcript variant (1).
Genome position (GRCh38, 1-based): chr12:100,493,350, A>G. VCF-style: chr12-100493350-A-G. GRCh37 (hg19) VCF-style: chr12-100887128-A-G.
Other names: c.27A>G, p.Glu9= (NM_001206977.2, NM_001206978.2, NM_005123.4).
Identifiers: ClinVar variation 4993917 (VCV004993917.1).

ClinVar aggregate classification (germline): Likely benign (1 of 4 stars; one submission).

Conditions:
NR1H4-related disorder. Also called: NR1H4-related condition.

Submission:

PreventionGenetics, part of Exact Sciences
Classification: Likely benign for NR1H4-related condition. Last evaluated: 2026-04-02. Review status: criteria provided, single submitter. Criteria: ACMG Guidelines, 2015. Collection method: clinical testing. Allele origin: germline.
Comment: This variant is classified as likely benign based on ACMG/AMP sequence variant interpretation guidelines (Richards et al. 2015 PMID: 25741868, with internal and published modifications).